The following is an entry in ClinVar:

NM_000834.5(GRIN2B):c.2582T>C (p.Val861Ala)

Gene: GRIN2B (glutamate ionotropic receptor NMDA type subunit 2B; minus strand). Cytogenetic location: 12p13.1.
Variant type: single nucleotide variant.
Coding change: c.2582T>C on transcript NM_000834.5 (MANE Select); coding-DNA position 2582, T replaced by C.
Protein change: p.Val861Ala; replaces valine 861 with alanine.
Molecular consequence: missense variant.
Genome position (GRCh38, 1-based): chr12:13,567,041, A>G on the plus strand (T>C on the coding strand, the complement: GRIN2B is on the minus strand). VCF-style: chr12-13567041-A-G. GRCh37 (hg19) VCF-style: chr12-13719975-A-G.
Other names: short protein forms V861A.
Identifiers: ClinVar variation 1388348 (VCV001388348.6), dbSNP rs2136409430, ClinGen allele CA383995948.

ClinVar aggregate classification (germline): Uncertain significance (1 of 4 stars; one submission).

Conditions:
Intellectual developmental disorder, autosomal dominant 6, with or without seizures. Also called: GRIN2B-related developmental delay, intellectual disability and autism spectrum disorder; Intellectual disability, autosomal dominant 6. Identifiers: Orphanet 589547, MedGen C3151411, MONDO:0013509, OMIM 613970.
Developmental and epileptic encephalopathy, 27 (DEE27). Also called: GRIN2B-Related Neurodevelopmental Disorder; Epileptic encephalopathy, early infantile, 27. Identifiers: Orphanet 3451, MedGen C4015316, MONDO:0014505, OMIM 616139.

Submission:

Labcorp Genetics (formerly Invitae), Labcorp
Classification: Uncertain significance for Developmental and epileptic encephalopathy, 27; Intellectual developmental disorder, autosomal dominant 6, with or without seizures. Last evaluated: 2022-03-14. Review status: criteria provided, single submitter. Criteria: Invitae Variant Classification Sherloc (09022015). Collection method: clinical testing. Allele origin: germline.
Comment: This sequence change replaces valine, which is neutral and non-polar, with alanine, which is neutral and non-polar, at codon 861 of the GRIN2B protein (p.Val861Ala). This variant is not present in population databases (gnomAD no frequency). This variant has not been reported in the literature in individuals affected with GRIN2B-related conditions. Advanced modeling of protein sequence and biophysical properties (such as structural, functional, and spatial information, amino acid conservation, physicochemical variation, residue mobility, and thermodynamic stability) performed at Invitae indicates that this missense variant is not expected to disrupt GRIN2B protein function. In summary, the available evidence is currently insufficient to determine the role of this variant in disease. Therefore, it has been classified as a Variant of Uncertain Significance.